The following is an entry in ClinVar:

ClinVar aggregate classification (germline): Uncertain significance (1 of 4 stars; one submission).

Allele frequency attached by ClinVar (database versions not stated): gnomAD exomes below 0.00001; TOPMed below 0.00001; gnomAD 0.00001.
gnomAD v4.1: 5 of 1,613,588 alleles (0.00031%); highest among the groups gnomAD compares: East Asian, 0.0022%; no homozygotes.

Submission:

Women's Health and Genetics/Laboratory Corporation of America, LabCorp
Classification: Uncertain significance. Last evaluated: 2026-04-28. Review status: criteria provided, single submitter. Criteria: LabCorp Variant Classification Summary - May 2015. Collection method: clinical testing. Allele origin: germline.
Comment: Variant summary: PEX13 c.1117C>T (p.Gln373X) results in a premature termination codon in the last exon, predicted to cause a truncation of the encoded protein, however, nonsense mediated decay is not expected to occur. The variant was absent in 251476 control chromosomes. The available data on variant occurrences in the general population are insufficient to allow any conclusion about variant significance. To our knowledge, no occurrence of c.1117C>T in individuals affected with PEX13-related conditions and no experimental evidence demonstrating its impact on protein function have been reported. ClinVar contains an entry for this variant (Variation ID: 2501134). Based on the evidence outlined above, the variant was classified as uncertain significance.

NM_002618.4(PEX13):c.1117C>T (p.Gln373Ter)

Gene: PEX13 (peroxisomal biogenesis factor 13; plus strand). Cytogenetic location: 2p15.
Variant type: single nucleotide variant.
Coding change: c.1117C>T on transcript NM_002618.4 (MANE Select); coding-DNA position 1117, C replaced by T.
Protein change: p.Gln373Ter; replaces glutamine 373 with a stop codon.
Molecular consequence: nonsense.
Genome position (GRCh38, 1-based): chr2:61,048,675, C>T. VCF-style: chr2-61048675-C-T. GRCh37 (hg19) VCF-style: chr2-61275810-C-T.
Other names: short protein forms Q373*.
Identifiers: ClinVar variation 2501134 (VCV002501134.2), dbSNP rs1410031841, ClinGen allele CA346950134.